The following is an entry in ClinVar:

NM_025137.4(SPG11):c.5992_5995del (p.Tyr1998fs)

Gene: SPG11 (SPG11 vesicle trafficking associated, spatacsin; minus strand). Cytogenetic location: 15q21.1.
Variant type: Deletion.
Coding change: c.5992_5995del on transcript NM_025137.4 (MANE Select); coding-DNA positions 5992 to 5995, 4 bases deleted (TATG; older notation c.5992_5995delTATG).
Protein change: p.Tyr1998fs; shifts the reading frame from tyrosine 1998.
Molecular consequence: frameshift variant. On other transcripts: intron variant (1).
Genome position (GRCh38, 1-based): chr15:44,574,913-44,574,916, CATA deleted on the plus strand (TATG on the coding strand, the reverse complement: SPG11 is on the minus strand); deleting any 4 consecutive bases within chr15:44,574,913-44,574,918 gives the same sequence; the c. name uses the placement nearest the transcript's 3' end. VCF-style (leftmost placement, unchanged base first): chr15-44574912-TCATA-T. GRCh37 (hg19) VCF-style: chr15-44867110-TCATA-T.
Other names: c.5848_5851del, p.Tyr1950fs (NM_001411132.1); c.5867-2096_5867-2093del (NM_001160227.2); short protein forms Y1950fs, Y1998fs.
Identifiers: ClinVar variation 2853263 (VCV002853263.3), dbSNP rs2505238309, ClinGen allele CA2628202723.

ClinVar aggregate classification (germline): Pathogenic (1 of 4 stars; one submission).

Conditions:
Hereditary spastic paraplegia 11. Also called: SPASTIC PARAPLEGIA, AUTOSOMAL RECESSIVE, COMPLICATED, WITH THIN CORPUS CALLOSUM; SPASTIC PARAPLEGIA, AUTOSOMAL RECESSIVE, WITH MENTAL IMPAIRMENT AND THIN CORPUS CALLOSUM; Nakamura Osame syndrome; Autosomal recessive hereditary spastic paraplegia, mental impairment, and thin corpus callosum; Spastic paraplegia, mental retardation and thin corpus callosum; Spastic Paraplegia 11. Identifiers: Orphanet 2822, MedGen C1858479, MONDO:0011445, OMIM 604360.

Submission:

Labcorp Genetics (formerly Invitae), Labcorp
Classification: Pathogenic for Hereditary spastic paraplegia 11. Last evaluated: 2023-04-07. Review status: criteria provided, single submitter. Criteria: Invitae Variant Classification Sherloc (09022015). Collection method: clinical testing. Allele origin: germline.
Comment: For these reasons, this variant has been classified as Pathogenic. This variant has not been reported in the literature in individuals affected with SPG11-related conditions. This variant is not present in population databases (gnomAD no frequency). This sequence change creates a premature translational stop signal (p.Tyr1998Ilefs*59) in the SPG11 gene. It is expected to result in an absent or disrupted protein product. Loss-of-function variants in SPG11 are known to be pathogenic (PMID: 19105190, 20110243, 22154821, 26556829).

Literature cited by the submitters: PubMed 19105190; PubMed 20110243; PubMed 22154821; PubMed 26556829.